The following is an entry in ClinVar:

ClinVar aggregate classification (germline): Uncertain significance (1 of 4 stars; one submission).

Conditions:
Hereditary cancer-predisposing syndrome. Also called: Hereditary Cancer Syndrome; Tumor predisposition; Hereditary neoplastic syndrome; Neoplastic Syndromes, Hereditary. Identifiers: Orphanet 140162, MedGen C0027672, MeSH D009386, MONDO:0015356.

Submission:

Ambry Genetics
Classification: Uncertain significance for Hereditary cancer-predisposing syndrome. Last evaluated: 2024-09-15. Review status: criteria provided, single submitter. Criteria: Ambry Variant Classification Scheme 2023. Collection method: clinical testing. Allele origin: germline.
Comment: The p.D559E variant (also known as c.1677T>G), located in coding exon 14 of the MRE11A gene, results from a T to G substitution at nucleotide position 1677. The aspartic acid at codon 559 is replaced by glutamic acid, an amino acid with highly similar properties. This amino acid position is conserved. In addition, this alteration is predicted to be tolerated by in silico analysis. Based on the available evidence, the clinical significance of this variant remains unclear.

NM_005591.4(MRE11):c.1677T>G (p.Asp559Glu)

Gene: MRE11 (MRE11 double strand break repair nuclease; minus strand). Cytogenetic location: 11q21.
Variant type: single nucleotide variant.
Coding change: c.1677T>G on transcript NM_005591.4 (MANE Select); coding-DNA position 1677, T replaced by G.
Protein change: p.Asp559Glu; replaces aspartic acid 559 with glutamic acid.
Molecular consequence: missense variant.
Genome position (GRCh38, 1-based): chr11:94,447,325, A>C on the plus strand (T>G on the coding strand, the complement: MRE11 is on the minus strand). VCF-style: chr11-94447325-A-C. GRCh37 (hg19) VCF-style: chr11-94180491-A-C.
Other names: c.1677T>G, p.Asp559Glu (NM_001330347.2, NM_005590.4); short protein forms D559E.
Identifiers: ClinVar variation 3397863 (VCV003397863.1).
Genomic context (GRCh38, chr11:94,447,325, plus strand): 5'-TCCACCTCTTCGACCTCTTCCTCGGCCTCTTCCTTTGTTGGTTGCTGCTGAGATGCTATC[A>C]TCAGAGTCATTAGCCATCTGTTCTGCTAAATCTATACTCATAAGGTCATCAGCACTAAAG-3'
Protein context (NP_005582.1, residues 549-569): DLAEQMANDS[Asp559Glu]DSISAATNKG